The following is an entry in ClinVar:

ClinVar aggregate classification (germline): Pathogenic (1 of 4 stars; one submission).

Conditions:
Hypohidrotic X-linked ectodermal dysplasia (XHED). Also called: ECTODERMAL DYSPLASIA, HYPOHIDROTIC, 1; CST SYNDROME; Christ-Siemans-Touraine syndrome; ECTODERMAL DYSPLASIA 1; Ectodermal Dysplasia 1, Anhidrotic; Anhidrotic ectodermal dysplasia X-linked. Identifiers: Orphanet 181, Orphanet 238468, MedGen C0162359, MONDO:0010585, OMIM 305100.

Submission:

Labcorp Genetics (formerly Invitae), Labcorp
Classification: Pathogenic for Hypohidrotic X-linked ectodermal dysplasia. Last evaluated: 2020-06-21. Review status: criteria provided, single submitter. Criteria: Invitae Variant Classification Sherloc (09022015). Collection method: clinical testing. Allele origin: germline.
Comment: For these reasons, this variant has been classified as Pathogenic. Loss-of-function variants in EDA are known to be pathogenic (PMID: 9683615). This variant has not been reported in the literature in individuals with EDA-related conditions. This variant is not present in population databases (ExAC no frequency). This sequence change creates a premature translational stop signal (p.Glu75*) in the EDA gene. It is expected to result in an absent or disrupted protein product.

Literature cited by the submitters: PubMed 9683615.

NM_001399.5(EDA):c.223G>T (p.Glu75Ter)

Gene: EDA (ectodysplasin A; plus strand). Cytogenetic location: Xq13.1.
Variant type: single nucleotide variant.
Coding change: c.223G>T on transcript NM_001399.5 (MANE Select); coding-DNA position 223, G replaced by T.
Protein change: p.Glu75Ter; replaces glutamic acid 75 with a stop codon.
Molecular consequence: nonsense.
Genome position (GRCh38, 1-based): chrX:69,616,531, G>T. VCF-style: chrX-69616531-G-T. GRCh37 (hg19) VCF-style: chrX-68836375-G-T.
Other names: c.223G>T, p.Glu75Ter (NM_001005609.2, NM_001005610.4, NM_001005612.3 and 1 more transcripts); short protein forms E75*.
Identifiers: ClinVar variation 1076088 (VCV001076088.7), dbSNP rs2147197866, ClinGen allele CA413447322.
Genomic context (GRCh38, chrX:69,616,531, plus strand): 5'-CTGCTGACGTTGTGCTGCTACCTAGAGTTGCGCTCGGAGTTGCGGCGGGAACGTGGAGCC[G>T]AGTCCCGCCTTGGCGGCTCGGGCACCCCTGGCACCTCTGGCACCCTAAGCAGCCTCGGTG-3'